The following is an entry in ClinVar:

ClinVar aggregate classification (germline): Uncertain significance. Review status: criteria provided, multiple submitters, no conflicts (2 of 4 stars). 2 submissions from 2 submitters: Uncertain significance (2). Last evaluated 2025-10-01.

Conditions:
Inborn genetic diseases. Identifiers: MedGen C0950123, MeSH D030342.

Allele frequency attached by ClinVar (database versions not stated): ExAC 0.00001; gnomAD 0.00003; TOPMed 0.00002; gnomAD exomes 0.00005.

Submissions (2):

Ambry Genetics
Classification: Uncertain significance for Inborn genetic diseases. Last evaluated: 2025-10-01. Review status: criteria provided, single submitter. Criteria: Ambry Variant Classification Scheme 2023. Collection method: clinical testing. Allele origin: germline.

Labcorp Genetics (formerly Invitae), Labcorp
Classification: Uncertain significance. Last evaluated: 2023-07-18. Review status: criteria provided, single submitter. Criteria: Invitae Variant Classification Sherloc (09022015). Collection method: clinical testing. Allele origin: germline.
Comment: In summary, the available evidence is currently insufficient to determine the role of this variant in disease. Therefore, it has been classified as a Variant of Uncertain Significance. Algorithms developed to predict the effect of missense changes on protein structure and function output the following: SIFT: "Not Available"; PolyPhen-2: "Benign"; Align-GVGD: "Not Available". The arginine amino acid residue is found in multiple mammalian species, which suggests that this missense change does not adversely affect protein function. ClinVar contains an entry for this variant (Variation ID: 2178529). This variant has not been reported in the literature in individuals affected with STX3-related conditions. This variant is present in population databases (rs759049761, gnomAD 0.003%). This sequence change replaces glutamine, which is neutral and polar, with arginine, which is basic and polar, at codon 257 of the STX3 protein (p.Gln257Arg).

NM_004177.5(STX3):c.770A>G (p.Gln257Arg)

Gene: STX3 (syntaxin 3; plus strand). Cytogenetic location: 11q12.1.
Variant type: single nucleotide variant.
Coding change: c.770A>G on transcript NM_004177.5 (MANE Select); coding-DNA position 770, A replaced by G.
Protein change: p.Gln257Arg; replaces glutamine 257 with arginine.
Molecular consequence: missense variant.
Genome position (GRCh38, 1-based): chr11:59,795,466, A>G. VCF-style: chr11-59795466-A-G. GRCh37 (hg19) VCF-style: chr11-59562939-A-G.
Other names: c.770A>G, p.Gln257Arg (NM_001178040.3); c.770A>G (NM_004177.4); short protein forms Q257R.
Identifiers: ClinVar variation 2178529 (VCV002178529.3), dbSNP rs759049761, ClinGen allele CA6021000.